The following is an entry in ClinVar:

ClinVar aggregate classification (germline): Uncertain significance. Review status: criteria provided, single submitter (1 of 4 stars). 2 submissions from 2 submitters: Uncertain significance (1). 1 of the submissions does not count toward it. Last evaluated 2025-01-27.

Conditions:
PCNT-related disorder. Also called: PCNT-related condition.
Inborn genetic diseases. Identifiers: MedGen C0950123, MeSH D030342.

gnomAD v4.1: 4 of 1,607,770 alleles (0.00025%); highest among the groups gnomAD compares: Non-Finnish European, 0.00034%; no homozygotes.

Submissions (2):

Ambry Genetics
Classification: Uncertain significance for Inborn genetic diseases. Last evaluated: 2025-01-27. Review status: criteria provided, single submitter. Criteria: Ambry Variant Classification Scheme 2023. Collection method: clinical testing. Allele origin: germline.

PreventionGenetics, part of Exact Sciences
Classification: Uncertain significance for PCNT-related condition. Last evaluated: 2024-04-09. Review status: no assertion criteria provided. Collection method: clinical testing. Allele origin: germline. Not counted in ClinVar's aggregate classification.
Comment: The PCNT c.539A>G variant is predicted to result in the amino acid substitution p.Glu180Gly. To our knowledge, this variant has not been reported in the literature or in a large population database, indicating this variant is rare. At this time, the clinical significance of this variant is uncertain due to the absence of conclusive functional and genetic evidence.

NM_006031.6(PCNT):c.539A>G (p.Glu180Gly)

Gene: PCNT (pericentrin; plus strand). Cytogenetic location: 21q22.3.
Variant type: single nucleotide variant.
Coding change: c.539A>G on transcript NM_006031.6 (MANE Select); coding-DNA position 539, A replaced by G.
Protein change: p.Glu180Gly; replaces glutamic acid 180 with glycine.
Molecular consequence: missense variant.
Genome position (GRCh38, 1-based): chr21:46,334,668, A>G. VCF-style: chr21-46334668-A-G. GRCh37 (hg19) VCF-style: chr21-47754582-A-G.
Other names: c.185A>G, p.Glu62Gly (NM_001315529.2); short protein forms E180G, E62G.
Identifiers: ClinVar variation 3358215 (VCV003358215.2).